The following is an entry in ClinVar:

NC_000003.11:g.(?_145788504)_(145878776_?)dup

Gene: PLOD2 (procollagen-lysine,2-oxoglutarate 5-dioxygenase 2; minus strand). Cytogenetic location: 3q24.
Variant type: Duplication.
Identifiers: ClinVar variation 2427610 (VCV002427610.4).

ClinVar aggregate classification (germline): Uncertain significance (1 of 4 stars; one submission).

Submission:

Labcorp Genetics (formerly Invitae), Labcorp
Classification: Uncertain significance. Last evaluated: 2022-05-25. Review status: criteria provided, single submitter. Criteria: Invitae Variant Classification Sherloc (09022015). Collection method: clinical testing. Allele origin: germline.
Comment: In summary, the available evidence is currently insufficient to determine the role of this variant in disease. Therefore, it has been classified as a Variant of Uncertain Significance. This variant has not been reported in the literature in individuals affected with PLOD2-related conditions. A copy number gain of the genomic region encompassing the full coding sequence of the PLOD2 gene has been identified. The boundaries of this event are unknown as they extend beyond the assayed region for this gene and therefore may encompass additional genes. As the precise location of this event is unknown, it may be in tandem or it may be located elsewhere in the genome.